The following is an entry in ClinVar:

ClinVar aggregate classification (germline): Uncertain significance (1 of 4 stars; one submission).

Conditions:
Adenylosuccinate lyase deficiency (ADSLD). Also called: ADSL DEFICIENCY. Identifiers: Orphanet 46, MedGen C0268126, MONDO:0007068, OMIM 103050.

Allele frequency attached by ClinVar (database versions not stated): gnomAD exomes below 0.00001.
gnomAD v4.1: 14 of 1,613,244 alleles (0.00087%); highest among the groups gnomAD compares: South Asian, 0.0011%; no homozygotes.

Submission:

Labcorp Genetics (formerly Invitae), Labcorp
Classification: Uncertain significance for Adenylosuccinate lyase deficiency. Last evaluated: 2025-07-13. Review status: criteria provided, single submitter. Criteria: Invitae Variant Classification Sherloc (09022015). Collection method: clinical testing. Allele origin: germline.
Comment: This sequence change replaces valine, which is neutral and non-polar, with methionine, which is neutral and non-polar, at codon 475 of the ADSL protein (p.Val475Met). This variant is present in population databases (no rsID available, gnomAD 0.003%). This variant has not been reported in the literature in individuals affected with ADSL-related conditions. ClinVar contains an entry for this variant (Variation ID: 1395275). Invitae Evidence Modeling of protein sequence and biophysical properties (such as structural, functional, and spatial information, amino acid conservation, physicochemical variation, residue mobility, and thermodynamic stability) indicates that this missense variant is not expected to disrupt ADSL protein function with a negative predictive value of 95%. In summary, the available evidence is currently insufficient to determine the role of this variant in disease. Therefore, it has been classified as a Variant of Uncertain Significance.

NM_000026.4(ADSL):c.1423G>A (p.Val475Met)

Gene: ADSL (adenylosuccinate lyase; plus strand). Cytogenetic location: 22q13.1.
Variant type: single nucleotide variant.
Coding change: c.1423G>A on transcript NM_000026.4 (MANE Select); coding-DNA position 1423, G replaced by A.
Protein change: p.Val475Met; replaces valine 475 with methionine.
Molecular consequence: missense variant. On other transcripts: non-coding transcript variant (1).
Genome position (GRCh38, 1-based): chr22:40,366,490, G>A. VCF-style: chr22-40366490-G-A. GRCh37 (hg19) VCF-style: chr22-40762494-G-A.
Other names: c.1246G>A, p.Val416Met (NM_001123378.3); c.1231G>A, p.Val411Met (NM_001317923.2); c.1423G>A, p.Val475Met (NM_001363840.3); short protein forms V411M, V416M, V475M.
Identifiers: ClinVar variation 1395275 (VCV001395275.4), dbSNP rs1158489609, ClinGen allele CA411649370.